The following is an entry in ClinVar:

ClinVar aggregate classification (germline): Likely benign (1 of 4 stars; one submission).

Allele frequency attached by ClinVar (database versions not stated): gnomAD exomes 0.00002; gnomAD 0.00005; ExAC 0.00006; ESP Exome Variant Server 0.00008; 1000 Genomes Project 30x 0.00016; 1000 Genomes Project 0.00020.
gnomAD v4.1: 48 of 1,614,014 alleles (0.003%); highest among the groups gnomAD compares: African/African-American, 0.033%; no homozygotes.

Submission:

CeGaT Center for Human Genetics Tuebingen
Classification: Likely benign. Last evaluated: 2022-10-01. Review status: criteria provided, single submitter. Criteria: CeGaT Center For Human Genetics Tuebingen Variant Classification Criteria Version 2. Collection method: clinical testing. Allele origin: germline. Affected: yes. Observed: 1 variant allele.
Comment: CIC: BP4

NM_001386298.1(CIC):c.4318G>A (p.Ala1440Thr)

Gene: CIC (capicua transcriptional repressor; plus strand). Cytogenetic location: 19q13.2.
Variant type: single nucleotide variant.
Coding change: c.4318G>A on transcript NM_001386298.1 (MANE Select); coding-DNA position 4318, G replaced by A.
Protein change: p.Ala1440Thr; replaces alanine 1440 with threonine.
Molecular consequence: missense variant.
Genome position (GRCh38, 1-based): chr19:42,290,359, G>A. VCF-style: chr19-42290359-G-A. GRCh37 (hg19) VCF-style: chr19-42794511-G-A.
Other names: c.4318G>A, p.Ala1440Thr (NM_001379483.1, NM_001304815.2, NM_001379480.1 and 1 more transcripts); c.1591G>A, p.Ala531Thr (NM_001379484.1, NM_001379485.1, NM_015125.5); short protein forms A1440T, A531T.
Identifiers: ClinVar variation 2649990 (VCV002649990.24), dbSNP rs141023382, ClinGen allele CA9472051.